The following is an entry in ClinVar:

NM_004415.4(DSP):c.7206_7209del (p.Ser2402fs)

Gene: DSP (desmoplakin; plus strand). Cytogenetic location: 6p24.3.
Variant type: Deletion.
Coding change: c.7206_7209del on transcript NM_004415.4 (MANE Select); coding-DNA positions 7206 to 7209, 4 bases deleted (TGAG; older notation c.7206_7209delTGAG).
Protein change: p.Ser2402fs; shifts the reading frame from serine 2402.
Molecular consequence: frameshift variant.
Genome position (GRCh38, 1-based): chr6:7,584,468-7,584,471, TGAG deleted; deleting any 4 consecutive bases within chr6:7,584,466-7,584,471 gives the same sequence; the c. name uses the placement nearest the transcript's 3' end. VCF-style (leftmost placement, unchanged base first): chr6-7584465-CAGTG-C. GRCh37 (hg19) VCF-style: chr6-7584698-CAGTG-C.
Other names: c.5409_5412del, p.Ser1803fs (NM_001008844.3); c.5877_5880del, p.Ser1959fs (NM_001319034.2); short protein forms S2402fs, S1959fs, S1803fs.
Identifiers: ClinVar variation 4614057 (VCV004614057.1).

ClinVar aggregate classification (germline): Pathogenic (1 of 4 stars; one submission).

Conditions:
Cardiovascular phenotype. Identifiers: MedGen CN230736.

Submission:

Ambry Genetics
Classification: Pathogenic for Cardiovascular phenotype. Last evaluated: 2025-09-22. Review status: criteria provided, single submitter. Criteria: Ambry Variant Classification Scheme 2023. Collection method: clinical testing. Allele origin: germline.
Comment: The c.7206_7209delTGAG alteration, located in exon 24 (coding exon 24) of the DSP gene, consists of a deletion of 4 nucleotides from position 7206 to 7209, causing a translational frameshift with a predicted alternate stop codon after 27 amino acids. This alteration occurs at the 3' terminus of the gene, is not expected to trigger nonsense-mediated mRNA decay, and impacts the last 16% of the protein. However, premature stop codons are typically deleterious in nature and the impacted region is critical for protein function (Ambry internal data). This variant was not reported in population-based cohorts in the Genome Aggregation Database (gnomAD). This variant was reported in individual(s) with features consistent with DSP-related cardiomyopathy (Gasperetti, 2024). Based on the available evidence, this alteration is classified as pathogenic.

Literature cited by the submitters: PubMed 38938828.